The following is an entry in ClinVar:

ClinVar aggregate classification (germline): Benign/Likely benign. Review status: criteria provided, multiple submitters, no conflicts (2 of 4 stars). 5 submissions from 5 submitters: Benign (1); Likely benign (3). 1 of the submissions does not count toward it. Last evaluated 2026-07-01.

Conditions:
IGF1-related disorder. Also called: IGF1-related condition.

Allele frequency attached by ClinVar (database versions not stated): gnomAD exomes 0.00020 and 0.00055; ExAC 0.00063; ESP Exome Variant Server 0.00169; TOPMed 0.00212; gnomAD 0.00213 and 0.00222; 1000 Genomes Project 0.00339; 1000 Genomes Project 30x 0.00375.
gnomAD v4.1: 622 of 1,614,208 alleles (0.039%); highest among the groups gnomAD compares: African/African-American, 0.77%; 1 homozygote.

Submissions (5):

CeGaT Center for Human Genetics Tuebingen
Classification: Likely benign. Last evaluated: 2026-07-01. Review status: criteria provided, single submitter. Criteria: CeGaT Center For Human Genetics Tuebingen Variant Classification Criteria Version 2. Collection method: clinical testing. Allele origin: germline. Affected: yes. Observed: 1 variant allele.
Comment: IGF1: BP4, BP7

Labcorp Genetics (formerly Invitae), Labcorp
Classification: Benign. Last evaluated: 2025-12-22. Review status: criteria provided, single submitter. Criteria: Invitae Variant Classification Sherloc (09022015). Collection method: clinical testing. Allele origin: germline.

Eurofins Ntd Llc (ga)
Classification: Likely benign. Last evaluated: 2018-01-31. Review status: criteria provided, single submitter. Criteria: EGL Classification Definitions 2015. Collection method: clinical testing. Allele origin: germline. Observed: 1 variant allele, 1 heterozygote.

Breakthrough Genomics
Classification: Likely benign. Review status: criteria provided, single submitter. Criteria: ACMG Guidelines, 2015. Collection method: not provided. Allele origin: germline. Inheritance: Autosomal recessive inheritance. Affected: yes.

PreventionGenetics, part of Exact Sciences
Classification: Benign for IGF1-related condition. Last evaluated: 2019-11-20. Review status: no assertion criteria provided. Collection method: clinical testing. Allele origin: germline. Not counted in ClinVar's aggregate classification.
Comment: This variant is classified as benign based on ACMG/AMP sequence variant interpretation guidelines (Richards et al. 2015 PMID: 25741868, with internal and published modifications).

NM_000618.5(IGF1):c.156G>A (p.Thr52=)

Genes: IGF1 (insulin like growth factor 1; minus strand), LINC02456 (long independently transcribed non-coding RNA 2456; plus strand). Cytogenetic location: 12q23.2.
Variant type: single nucleotide variant.
Coding change: c.156G>A on transcript NM_000618.5 (MANE Select); coding-DNA position 156, G replaced by A.
Protein change: p.Thr52=; no amino-acid change (threonine 52 retained).
Molecular consequence: synonymous variant.
Genome position (GRCh38, 1-based): chr12:102,475,707, C>T on the plus strand (G>A on the coding strand, the complement: IGF1 is on the minus strand). VCF-style: chr12-102475707-C-T. GRCh37 (hg19) VCF-style: chr12-102869485-C-T.
Other names: c.156G>A, p.Thr52= (NM_001111283.3, NM_001111285.3); c.108G>A, p.Thr36= (NM_001111284.2).
Identifiers: ClinVar variation 595778 (VCV000595778.18), dbSNP rs3729846, ClinGen allele CA6748607.
Genomic context (GRCh38, chr12:102,475,707, plus strand): 5'-ATAAAAGCCCCTGTCTCCACACACGAACTGAAGAGCATCCACCAGCTCAGCCCCGCAGAG[C>T]GTCTCCGGTCCAGCCGTGGCAGAGCTGGTGAAGGTGAGCAGGCACAGCGCCAGGTAGAAG-3'
Protein context (NP_000609.1, residues 42-62): FTSSATAGPE[Thr52=]LCGAELVDAL